The following is an entry in ClinVar:

ClinVar aggregate classification (germline): Benign/Likely benign. Review status: criteria provided, multiple submitters, no conflicts (2 of 4 stars). 5 submissions from 5 submitters: Benign (3); Likely benign (1). 1 of the submissions does not count toward it. Last evaluated 2026-09-01.

Conditions:
KCNH1-related disorder. Also called: KCNH1-related disorders; KCNH1-related condition.

Allele frequency attached by ClinVar (database versions not stated): 1000 Genomes Project 0.00100; 1000 Genomes Project 30x 0.00156; ESP Exome Variant Server 0.00177; gnomAD 0.00208 and 0.00217; TOPMed 0.00209; ExAC 0.00224; gnomAD exomes 0.00231.
gnomAD v4.1: 3,414 of 1,614,230 alleles (0.21%); highest among the groups gnomAD compares: Middle Eastern, 1.5%; 15 homozygotes.

Submissions (5):

CeGaT Center for Human Genetics Tuebingen
Classification: Likely benign. Last evaluated: 2026-09-01. Review status: criteria provided, single submitter. Criteria: CeGaT Center For Human Genetics Tuebingen Variant Classification Criteria Version 2. Collection method: clinical testing. Allele origin: germline. Affected: yes. Observed: 21 variant alleles.
Comment: KCNH1: BP4, BP7

Labcorp Genetics (formerly Invitae), Labcorp
Classification: Benign. Last evaluated: 2026-01-28. Review status: criteria provided, single submitter. Criteria: Invitae Variant Classification Sherloc (09022015). Collection method: clinical testing. Allele origin: germline.

GeneDx
Classification: Benign. Last evaluated: 2019-08-30. Review status: criteria provided, single submitter. Criteria: GeneDx Variant Classification Process June 2021. Collection method: clinical testing. Allele origin: germline. Affected: yes.

Breakthrough Genomics
Classification: Benign. Review status: criteria provided, single submitter. Criteria: ACMG Guidelines, 2015. Collection method: not provided. Allele origin: germline. Inheritance: Autosomal dominant inheritance. Affected: yes.

PreventionGenetics, part of Exact Sciences
Classification: Likely benign for KCNH1-related condition. Last evaluated: 2019-06-05. Review status: no assertion criteria provided. Collection method: clinical testing. Allele origin: germline. Not counted in ClinVar's aggregate classification.
Comment: This variant is classified as likely benign based on ACMG/AMP sequence variant interpretation guidelines (Richards et al. 2015 PMID: 25741868, with internal and published modifications).

NM_172362.3(KCNH1):c.2604G>A (p.Ala868=)

Gene: KCNH1 (potassium voltage-gated channel subfamily H member 1; minus strand). Cytogenetic location: 1q32.2.
Variant type: single nucleotide variant.
Coding change: c.2604G>A on transcript NM_172362.3 (MANE Select); coding-DNA position 2604, G replaced by A.
Protein change: p.Ala868=; no amino-acid change (alanine 868 retained).
Molecular consequence: synonymous variant.
Genome position (GRCh38, 1-based): chr1:210,683,647, C>T on the plus strand (G>A on the coding strand, the complement: KCNH1 is on the minus strand). VCF-style: chr1-210683647-C-T. GRCh37 (hg19) VCF-style: chr1-210856989-C-T.
Other names: c.2523G>A, p.Ala841= (NM_002238.4).
Identifiers: ClinVar variation 707347 (VCV000707347.38), dbSNP rs1135318, ClinGen allele CA1379624.